The following is an entry in ClinVar:

ClinVar aggregate classification (germline): Likely benign. Review status: criteria provided, single submitter (1 of 4 stars). 2 submissions from 2 submitters: Likely benign (1). 1 of the submissions does not count toward it. Last evaluated 2023-10-23.

Conditions:
DCAF17-related disorder. Also called: DCAF17-related condition.
Woodhouse-Sakati syndrome. Also called: Hypogonadism, Alopecia, Diabetes Mellitus, Mental Retardation, and Extrapyramidal Syndrome; EXTRAPYRAMIDAL DISORDER, PROGRESSIVE, WITH PRIMARY HYPOGONADISM, MENTAL RETARDATION, AND ALOPECIA; Hypogonadism, diabetes mellitus, alopecia, mental retardation and electrocardiographic abnormalities. Identifiers: Orphanet 3464, MedGen C0342286, MONDO:0009419, OMIM 241080.

Allele frequency attached by ClinVar (database versions not stated): TOPMed below 0.00001; gnomAD 0.00003.

Submissions (2):

Labcorp Genetics (formerly Invitae), Labcorp
Classification: Likely benign for Woodhouse-Sakati syndrome. Last evaluated: 2023-10-23. Review status: criteria provided, single submitter. Criteria: Invitae Variant Classification Sherloc (09022015). Collection method: clinical testing. Allele origin: germline.

PreventionGenetics, part of Exact Sciences
Classification: Likely benign for DCAF17-related condition. Last evaluated: 2024-04-12. Review status: no assertion criteria provided. Collection method: clinical testing. Allele origin: germline. Not counted in ClinVar's aggregate classification.
Comment: This variant is classified as likely benign based on ACMG/AMP sequence variant interpretation guidelines (Richards et al. 2015 PMID: 25741868, with internal and published modifications).

NM_025000.4(DCAF17):c.628-6C>T

Gene: DCAF17 (DDB1 and CUL4 associated factor 17; plus strand). Cytogenetic location: 2q31.1.
Variant type: single nucleotide variant.
Coding change: c.628-6C>T on transcript NM_025000.4 (MANE Select); 6 bases into the intron before coding-DNA position 628, C replaced by T.
Molecular consequence: intron variant.
Genome position (GRCh38, 1-based): chr2:171,457,965, C>T. VCF-style: chr2-171457965-C-T. GRCh37 (hg19) VCF-style: chr2-172314475-C-T.
Other names: c.628-6C>T (NM_001164821.2, NM_025000.3).
Identifiers: ClinVar variation 2727564 (VCV002727564.4), dbSNP rs757489748, ClinGen allele CA1964746.
Genomic context (GRCh38, chr2:171,457,965, plus strand): 5'-TGTGAACATTCAGAGGATTGGACTTCCAGTCTTTTCTCAGGTGATATCTGTCTTTCCCCC[C>T]GCCAGATTTTTGGGAACGTTACAGATGCTACCTTGTCTCATGGAATACTGATTGTGATGT-3'